The following is an entry in ClinVar:

NM_001012614.2(CTBP1):c.577G>A (p.Asp193Asn)

Genes: CTBP1 (C-terminal binding protein 1; minus strand), CTBP1-AS (CTBP1 antisense RNA; plus strand). Cytogenetic location: 4p16.3.
Variant type: single nucleotide variant.
Coding change: c.577G>A on transcript NM_001012614.2 (MANE Select); coding-DNA position 577, G replaced by A.
Protein change: p.Asp193Asn; replaces aspartic acid 193 with asparagine.
Molecular consequence: missense variant. On other transcripts: non-coding transcript variant (1).
Genome position (GRCh38, 1-based): chr4:1,216,143, C>T on the plus strand (G>A on the coding strand, the complement: CTBP1 is on the minus strand). VCF-style: chr4-1216143-C-T. GRCh37 (hg19) VCF-style: chr4-1209931-C-T.
Other names: c.610G>A, p.Asp204Asn (NM_001328.3, NM_001377186.1); c.577G>A, p.Asp193Asn (NM_001377187.1, NM_001377188.1, NM_001377189.1 and 4 more transcripts); short protein forms D193N, D204N.
Identifiers: ClinVar variation 4976595 (VCV004976595.1).

ClinVar aggregate classification (germline): Uncertain significance (1 of 4 stars; one submission).

gnomAD v4.1: 1 of 1,611,210 alleles (0.000062%); highest among the groups gnomAD compares: Non-Finnish European, 0.000085%; no homozygotes.

Submission:

GeneDx
Classification: Uncertain significance. Last evaluated: 2026-02-10. Review status: criteria provided, single submitter. Criteria: GeneDx Variant Classification Process June 2021. Collection method: clinical testing. Allele origin: germline.
Comment: Not observed at significant frequency in large population cohorts (gnomAD); In silico analysis supports that this missense variant has a deleterious effect on protein structure/function; Has not been previously published as pathogenic or benign to our knowledge